The following is an entry in ClinVar:

NM_007294.4(BRCA1):c.4964C>T (p.Ser1655Phe)

Gene: BRCA1 (BRCA1 DNA repair associated; minus strand). Cytogenetic location: 17q21.31.
Variant type: single nucleotide variant.
Coding change: c.4964C>T on transcript NM_007294.4 (MANE Select); coding-DNA position 4964, C replaced by T.
Protein change: p.Ser1655Phe; replaces serine 1655 with phenylalanine.
Molecular consequence: missense variant. On other transcripts: non-coding transcript variant (1).
Genome position (GRCh38, 1-based): chr17:43,070,950, G>A on the plus strand (C>T on the coding strand, the complement: BRCA1 is on the minus strand). VCF-style: chr17-43070950-G-A. GRCh37 (hg19) VCF-style: chr17-41222967-G-A.
Other names: c.4961C>T, p.Ser1654Phe (NM_001407624.1, NM_001407625.1, NM_001407626.1 and 17 more transcripts); c.4958C>T, p.Ser1653Phe (NM_001407627.1, NM_001407628.1, NM_001407629.1 and 14 more transcripts); c.4817C>T, p.Ser1606Phe (NM_001407853.1, NM_001407838.1, NM_001407839.1 and 12 more transcripts); c.4964C>T, p.Ser1655Phe (NM_001407854.1, NM_001407597.1, NM_001407598.1 and 8 more transcripts); c.4763C>T, p.Ser1588Phe (NM_001407862.1); c.4838C>T, p.Ser1613Phe (NM_001407863.1, NM_001407670.1, NM_001407671.1 and 11 more transcripts); c.4757C>T, p.Ser1586Phe (NM_001407874.1, NM_001407875.1); c.4700C>T, p.Ser1567Phe (NM_001407921.1, NM_001407922.1, NM_001407923.1 and 4 more transcripts); and 70 more; short protein forms S1655F, S1676F, S551F, S1608F, S1358F, S1526F, S1567F, S1654F.
Identifiers: ClinVar variation 55333 (VCV000055333.72), dbSNP rs80357390, ClinGen allele CA003111.
Genomic context (GRCh38, chr17:43,070,950, plus strand): 5'-GTCTTAGTCATTAGGGAGATACATATGGATACACTCACAAATTCTTCTGGGGTCAGGCCA[G>A]ACACCACCATGGACATTCTTTTGTTGACCCTTTCTGTTGAAGCTGTCAATTCTGGCTTCT-3'
Protein context (NP_009225.1, residues 1645-1665): RVNKRMSMVV[Ser1655Phe]GLTPEEFMLV

ClinVar aggregate classification (germline): Pathogenic/Likely pathogenic. Review status: criteria provided, multiple submitters, no conflicts (2 of 4 stars). 15 submissions from 15 submitters: Pathogenic (8); Likely pathogenic (3). 4 of the submissions do not count toward it. Last evaluated 2026-06-12.

Conditions:
Inherited ovarian cancer (without breast cancer).
Hereditary cancer-predisposing syndrome. Also called: Hereditary Cancer Syndrome; Hereditary neoplastic syndrome; Neoplastic Syndromes, Hereditary; Tumor predisposition. Identifiers: Orphanet 140162, MedGen C0027672, MeSH D009386, MONDO:0015356.
Hereditary breast ovarian cancer syndrome. Also called: BRCA1- and BRCA2-Associated Hereditary Breast and Ovarian Cancer; Hereditary breast and ovarian cancer syndrome; Hereditary breast and ovarian cancer syndrome (HBOC); Breast and ovarian cancer; Hereditary breast and/or ovarian cancer syndrome; Hereditary breast and ovarian cancer. Identifiers: Orphanet 145, MedGen C0677776, MeSH D061325, MONDO:0003582. Disease mechanism: loss of function.
Breast-ovarian cancer, familial, susceptibility to, 1 (BROVCA1). Also called: BRCA1 Hereditary Breast and Ovarian Cancer; OVARIAN CANCER, SUSCEPTIBILITY TO. Identifiers: Orphanet 145, MedGen C2676676, MONDO:0011450, OMIM 604370. Disease mechanism: loss of function.
Gastric cancer. Also called: Malignant tumor of stomach; Stomach cancer. Identifiers: MedGen C0024623, MeSH D013274, MONDO:0001056, OMIM 613659, HP:0012126.

Submissions 1 to 9 of 16:

Genetics Laboratory, Great Ormond Street Hospital NHS Foundation Trust, North Thames Genomic Laboratory Hub
Classification: Pathogenic for Inherited ovarian cancer (without breast cancer). Last evaluated: 2026-06-12. Review status: criteria provided, single submitter. Criteria: CanVIG BRCA Gene Specific V1.22. Collection method: clinical testing. Allele origin: germline. Affected: yes.
Comment: PS4_supporting, PM2_moderate, PP3_supporting, PS3_strong, PP4_strong

Dasa
Classification: Pathogenic for Breast-ovarian cancer, familial, susceptibility to, 1. Last evaluated: 2025-05-19. Review status: criteria provided, single submitter. Criteria: DASA Assertion Criteria. Collection method: clinical testing. Allele origin: germline.
Comment: NM_007294.4(BRCA1):c.4964C>T (p.Ser1655Phe) is a missense variant that results in the substitution of serine with phenylalanine. Segregation evidence has been reported in affected families. Functional evidence supports a deleterious effect on the gene or gene product (PMID: 30209399; PMID: 32546644; PMID: 30765603; PMID: 31131967; PMID: 19200354). This variant has been recurrently observed in individuals with Breast-ovarian cancer, familial, susceptibility to, 1 (PMID: 30209399; PMID: 32546644; PMID: 30765603; PMID: 31131967; PMID: 19200354). Multiple computational predictions support a deleterious effect on the gene or gene product. The variant is present at low frequency in population datasets. Based on the available data, this variant is classified as pathogenic.

Center for Genomic Medicine, Rigshospitalet, Copenhagen University Hospital
Classification: Pathogenic. Last evaluated: 2025-03-04. Review status: criteria provided, single submitter. Criteria: ACMG Guidelines, 2015. Collection method: clinical testing. Allele origin: germline.
Comment: Classification criteria: PS3, PM2_supporting, PP3, PP4_strong

Department of Clinical Genetics, Copenhagen University Hospital, Rigshospitalet
Classification: Pathogenic for Breast-ovarian cancer, familial, susceptibility to, 1. Last evaluated: 2024-05-27. Review status: criteria provided, single submitter. Criteria: ACMG Guidelines, 2015. Collection method: clinical testing. Allele origin: germline. Affected: yes.
Comment: PP3; PS3; PP1_Strong; PM2_Supporting

Human Genetics Bochum, Ruhr University Bochum
Classification: Pathogenic for Breast-ovarian cancer, familial, susceptibility to, 1. Last evaluated: 2023-05-03. Review status: criteria provided, single submitter. Criteria: ACMG Guidelines, 2015. Collection method: clinical testing. Allele origin: germline. Affected: yes.
Comment: ACMG criteria used to clasify this variant:PS3, PS4, PM2_SUP, PP1

Labcorp Genetics (formerly Invitae), Labcorp
Classification: Pathogenic for Hereditary breast ovarian cancer syndrome. Last evaluated: 2022-12-12. Review status: criteria provided, single submitter. Criteria: Invitae Variant Classification Sherloc (09022015). Collection method: clinical testing. Allele origin: germline.
Comment: This sequence change replaces serine, which is neutral and polar, with phenylalanine, which is neutral and non-polar, at codon 1655 of the BRCA1 protein (p.Ser1655Phe). This variant is not present in population databases (gnomAD no frequency). This missense change has been observed in individual(s) with breast and/or ovarian cancer (PMID: 19200354, 19563646, 24249303, 27767231, 29176636). It has also been observed to segregate with disease in related individuals. ClinVar contains an entry for this variant (Variation ID: 55333). Advanced modeling performed at Invitae incorporating data from internal and/or published experimental studies (PMID: 30209399) indicates that this missense variant is expected to disrupt BRCA1 function. Experimental studies have shown that this missense change affects BRCA1 function (PMID: 15133502, 15133503, 17308087, 20516115, 23867111, 28398198). For these reasons, this variant has been classified as Pathogenic.

Genetics Program, Instituto Nacional de Cancer
Classification: Likely pathogenic for Hereditary breast ovarian cancer syndrome. Last evaluated: 2021-11-01. Review status: criteria provided, single submitter. Criteria: ACMG Guidelines, 2015. Collection method: research. Allele origin: germline. Affected: yes.

Women's Health and Genetics/Laboratory Corporation of America, LabCorp
Classification: Pathogenic for Hereditary breast ovarian cancer syndrome. Last evaluated: 2021-01-21. Review status: criteria provided, single submitter. Criteria: LabCorp Variant Classification Summary - May 2015. Collection method: clinical testing. Allele origin: germline.
Comment: Variant summary: BRCA1 c.4964C>T (p.Ser1655Phe) results in a non-conservative amino acid change in the encoded protein sequence. Five of five in-silico tools predict a damaging effect of the variant on protein function. The variant was absent in 250710 control chromosomes. c.4964C>T has been widely reported in the literature and subsequently cited by others to co-segregate with disease in multiple individuals from families affected with Hereditary Breast And Ovarian Cancer (example, Gomez_Garcia_2009), as an isolated occurrence in a proband reporting a positive history of breast cancer (example, Cotrim_2019), and isolated reports in individuals with breast cancer (example, Inagaki-Kawata_2020). These data indicate that the variant is very likely to be associated with disease. Multiple publications report experimental evidence evaluating an impact on protein function (example, Bouwman_2020, Findlay_2018). The most pronounced variant effect results in defective homologous recombination DNA repair activity in independent measures of evaluation. Multiple clinical diagnostic laboratories and one cancer variant interpretation group have submitted clinical-significance assessments for this variant to ClinVar after 2014 without evidence for independent evaluation. All submitters classified the variant as pathogenic (n=1)/likely pathogenic (n=3). Some cite overlapping evidence utilized in the context of this evaluation. Based on the evidence outlined above, the variant was classified as pathogenic.

Ambry Genetics
Classification: Likely pathogenic for Hereditary cancer-predisposing syndrome. Last evaluated: 2020-08-18. Review status: criteria provided, single submitter. Criteria: Ambry Variant Classification Scheme 2023. Collection method: clinical testing. Allele origin: germline.
Comment: The p.S1655F variant (also known as c.4964C>T), located in coding exon 14 of the BRCA1 gene, results from a C to T substitution at nucleotide position 4964. The serine at codon 1655 is replaced by phenylalanine, an amino acid with highly dissimilar properties. This alteration has been reported in multiple individuals with personal and/or family history consistent with Hereditary Breast and Ovarian Cancer syndrome (HBOC) (G&oacute;mez Garc&iacute;a et al. Breast Cancer Res. 2009; 11(1):1-12; Mohammadi et al. BMC Cancer. 2009; 9:211; Arai M et al. J. Hum. Genet. 2018 Apr;63:447-457; Cotrim DP et al. BMC Cancer. 2019 Jan;19:4). Results from two different functional studies showed this variant results in abrogation of transcriptional activation function of the protein (Carvalho et al. Cancer Res. 2007; 67(4):1494-501; Lee MS et al. Cancer Res. 2010; 70(12):4880-90; Bouwman P et al. Cancer Discov. 2013; 3(10):1142-55). An additional functional study found that this nucleotide substitution is deleterious in a high throughput genome editing haploid cell survival assay (Findlay GM et al. Nature. 2018 10;562:217-222). Experimental results from three independent studies showed that the p.S1655 residue is part of the hydrophobic phosphopeptide binding pocket of the BRCA1 protein which mediates interactions of the BRCA1 protein with various phosphopeptides in order to perform the transactivation function of the protein (Williams RS et al. Nat Struct Mol Biol. 2004; 11(6):519-25; Shiozaki et al. Mol Cell. 2004; 4(3):405-12; Lee MS et al. Cancer Res. 2010; 70(12):4880-90). This amino acid position is highly conserved in available vertebrate species. Based on internal structural analysis, this variant is predicted to be highly destabilizing to the local structure (Ambry internal data). In addition, this alteration is predicted to be deleterious by in silico analysis. Based on the majority of available evidence to date, this variant is likely to be pathogenic.